The following is an entry in ClinVar:

NM_000138.5(FBN1):c.688C>T (p.Pro230Ser)

Gene: FBN1 (fibrillin 1; minus strand). Cytogenetic location: 15q21.1.
Variant type: single nucleotide variant.
Coding change: c.688C>T on transcript NM_000138.5 (MANE Select); coding-DNA position 688, C replaced by T.
Protein change: p.Pro230Ser; replaces proline 230 with serine.
Molecular consequence: missense variant.
Genome position (GRCh38, 1-based): chr15:48,537,659, G>A on the plus strand (C>T on the coding strand, the complement: FBN1 is on the minus strand). VCF-style: chr15-48537659-G-A. GRCh37 (hg19) VCF-style: chr15-48829856-G-A.
Other names: short protein forms P230S.
Identifiers: ClinVar variation 629334 (VCV000629334.7), dbSNP rs763347530, ClinGen allele CA057569.

ClinVar aggregate classification (germline): Uncertain significance. Review status: criteria provided, multiple submitters, no conflicts (2 of 4 stars). 4 submissions from 4 submitters: Uncertain significance (4). Last evaluated 2024-12-13.

Conditions:
Familial thoracic aortic aneurysm and aortic dissection (TAAD). Also called: Thoracic aortic aneurysms and dissections. Identifiers: Orphanet 91387, MedGen C4707243, MONDO:0019625.

Allele frequency attached by ClinVar (database versions not stated): ExAC 0.00001; gnomAD exomes 0.00001 and 0.00002; TOPMed 0.00003.

Submissions (4):

GeneDx
Classification: Uncertain significance. Last evaluated: 2024-12-13. Review status: criteria provided, single submitter. Criteria: GeneDx Variant Classification Process June 2021. Collection method: clinical testing. Allele origin: germline. Affected: yes.
Comment: Not observed at significant frequency in large population cohorts (gnomAD); In silico analysis supports that this missense variant has a deleterious effect on protein structure/function; Has not been previously published as pathogenic or benign to our knowledge; Does not affect a cysteine or calcium-binding residue within an EGF-like domain or a TGF-binding protein domain of the FBN1 gene; cysteine substitutions in the EGF-like domains represent the majority of pathogenic missense changes associated with FBN1-related disorders (PMID: 12938084); This variant is associated with the following publications: (PMID: 12938084)

Color Diagnostics, LLC DBA Color Health
Classification: Uncertain significance for Familial thoracic aortic aneurysm and aortic dissection. Last evaluated: 2024-08-05. Review status: criteria provided, single submitter. Criteria: ACMG Guidelines, 2015. Collection method: clinical testing. Allele origin: germline.
Comment: This missense variant replaces proline with serine at codon 230 of the FBN1 protein. Computational prediction suggests that this variant may have deleterious impact on protein structure and function. To our knowledge, functional studies have not been reported for this variant. This variant has not been reported in individuals affected with FBN1-related disorders in the literature. This variant has been identified in 4/251356 chromosomes in the general population by the Genome Aggregation Database (gnomAD). The available evidence is insufficient to determine the role of this variant in disease conclusively. Therefore, this variant is classified as a Variant of Uncertain Significance.

Clinical Genetics Laboratory, Skane University Hospital Lund
Classification: Uncertain significance. Last evaluated: 2024-02-08. Review status: criteria provided, single submitter. Criteria: ACMG Guidelines, 2015. Collection method: clinical testing. Allele origin: germline. Affected: yes.

Ambry Genetics
Classification: Uncertain significance for Familial thoracic aortic aneurysm and aortic dissection. Last evaluated: 2018-07-11. Review status: criteria provided, single submitter. Criteria: Ambry Variant Classification Scheme 2023. Collection method: clinical testing. Allele origin: germline.
Comment: The p.P230S variant (also known as c.688C>T), located in coding exon 6 of the FBN1 gene, results from a C to T substitution at nucleotide position 688. The proline at codon 230 is replaced by serine, an amino acid with similar properties. This amino acid position is highly conserved in available vertebrate species. In addition, this alteration is predicted to be deleterious by in silico analysis. Since supporting evidence is limited at this time, the clinical significance of this alteration remains unclear.